The following is an entry in ClinVar:

NM_178452.6(DNAAF1):c.1217_1218del (p.Glu406fs)

Gene: DNAAF1 (dynein axonemal assembly factor 1; plus strand). Cytogenetic location: 16q24.1.
Variant type: Microsatellite.
Coding change: c.1217_1218del on transcript NM_178452.6 (MANE Select); coding-DNA positions 1217 to 1218, 2 bases deleted (AG; older notation c.1217_1218delAG).
Protein change: p.Glu406fs; shifts the reading frame from glutamic acid 406.
Molecular consequence: frameshift variant.
Genome position (GRCh38, 1-based): chr16:84,170,045-84,170,046, AG deleted; deleting any 2 consecutive bases within chr16:84,170,041-84,170,046 gives the same sequence; the c. name uses the placement nearest the transcript's 3' end. VCF-style (leftmost placement, unchanged base first): chr16-84170040-AAG-A. GRCh37 (hg19) VCF-style: chr16-84203646-AAG-A.
Other names: c.509_510del, p.Glu170fs (NM_001318756.1); short protein forms E170fs, E406fs.
Identifiers: ClinVar variation 4850428 (VCV004850428.1).

ClinVar aggregate classification (germline): Likely pathogenic (1 of 4 stars; one submission).

Conditions:
Primary ciliary dyskinesia 13. Also called: CILIARY DYSKINESIA, PRIMARY, 13, WITH OR WITHOUT SITUS INVERSUS. Identifiers: Orphanet 244, MedGen C2750790, MONDO:0013174, OMIM 613193.

Submission:

First Genomix Gene Laboratory, Genetic Diagnostics Department
Classification: Likely pathogenic for Primary ciliary dyskinesia 13. Last evaluated: 2025-09-23. Review status: criteria provided, single submitter. Criteria: ACMG Guidelines, 2015. Collection method: clinical testing. Allele origin: germline. Inheritance: Autosomal recessive inheritance. Affected: no. Observed: 1 variant allele.